The following is an entry in ClinVar:

NM_182476.3(COQ6):c.493G>A (p.Val165Ile)

Genes: COQ6 (coenzyme Q6, monooxygenase; plus strand), ENTPD5 (ectonucleoside triphosphate diphosphohydrolase 5; minus strand). Cytogenetic location: 14q24.3.
Variant type: single nucleotide variant.
Coding change: c.493G>A on transcript NM_182476.3 (MANE Select); coding-DNA position 493, G replaced by A.
Protein change: p.Val165Ile; replaces valine 165 with isoleucine.
Molecular consequence: missense variant. On other transcripts: 3 prime UTR variant (3), intron variant (5).
Genome position (GRCh38, 1-based): chr14:73,958,158, G>A. VCF-style: chr14-73958158-G-A. GRCh37 (hg19) VCF-style: chr14-74424861-G-A.
Other names: c.493G>A, p.Val165Ile (NM_001425255.1, NM_001425256.1); c.328G>A, p.Val110Ile (NM_001425257.1); c.418G>A, p.Val140Ile (NM_001425258.1, NM_182480.3); c.268G>A, p.Val90Ile (NM_001425259.1, NM_001425260.1, NM_001425261.1); c.166G>A, p.Val56Ile (NM_001425263.1); c.*1372C>T (NM_001330189.2, NM_001382259.1, NM_001382260.1); c.73-813G>A (NM_001425265.1, NM_001425264.1); c.358-813G>A (NM_001425262.1); and 2 more; short protein forms V140I, V165I.
Identifiers: ClinVar variation 1497342 (VCV001497342.45), dbSNP rs780055948, ClinGen allele CA7264223.

ClinVar aggregate classification (germline): Uncertain significance. Review status: criteria provided, multiple submitters, no conflicts (2 of 4 stars). 2 submissions from 2 submitters: Uncertain significance (2). Last evaluated 2025-11-03.

Conditions:
Familial steroid-resistant nephrotic syndrome with sensorineural deafness. Identifiers: Orphanet 280406, MedGen C3553349, MONDO:0013836, OMIM 614650.

Allele frequency attached by ClinVar (database versions not stated): ExAC 0.00002; gnomAD 0.00005 and 0.00006; gnomAD exomes 0.00001 and 0.00002; TOPMed 0.00005.
gnomAD v4.1: 31 of 1,613,874 alleles (0.0019%); highest among the groups gnomAD compares: Non-Finnish European, 0.0025%; no homozygotes.

Submissions (2):

Labcorp Genetics (formerly Invitae), Labcorp
Classification: Uncertain significance. Last evaluated: 2025-11-03. Review status: criteria provided, single submitter. Criteria: Invitae Variant Classification Sherloc (09022015). Collection method: clinical testing. Allele origin: germline.
Comment: This sequence change replaces valine, which is neutral and non-polar, with isoleucine, which is neutral and non-polar, at codon 165 of the COQ6 protein (p.Val165Ile). This variant is present in population databases (rs780055948, gnomAD 0.003%). This variant has not been reported in the literature in individuals affected with COQ6-related conditions. ClinVar contains an entry for this variant (Variation ID: 1497342). Invitae Evidence Modeling of protein sequence and biophysical properties (such as structural, functional, and spatial information, amino acid conservation, physicochemical variation, residue mobility, and thermodynamic stability) indicates that this missense variant is not expected to disrupt COQ6 protein function with a negative predictive value of 80%. In summary, the available evidence is currently insufficient to determine the role of this variant in disease. Therefore, it has been classified as a Variant of Uncertain Significance.

Fulgent Genetics
Classification: Uncertain significance for Familial steroid-resistant nephrotic syndrome with sensorineural deafness. Last evaluated: 2024-05-30. Review status: criteria provided, single submitter. Criteria: ACMG Guidelines, 2015. Collection method: clinical testing. Allele origin: germline.